The following is an entry in ClinVar:

ClinVar aggregate classification (germline): Uncertain significance (1 of 4 stars; one submission).

gnomAD v4.1: 6 of 1,613,370 alleles (0.00037%); no homozygotes.

Submission:

Ambry Genetics
Classification: Uncertain significance. Last evaluated: 2026-07-29. Review status: criteria provided, single submitter. Criteria: Ambry Variant Classification Scheme 2023. Collection method: clinical testing. Allele origin: germline.
Comment: The c.2113T>A (p.Y705N) alteration is located in exon 10 (coding exon 10) of the ATP10A gene. This alteration results from a T to A substitution at nucleotide position 2113, causing the tyrosine (Y) at amino acid position 705 to be replaced by an asparagine (N). Based on data from gnomAD, the A allele has an overall frequency of 0.001% (2/250550) total alleles studied. The highest observed frequency was <0.001% (/) of alleles. Based on insufficient or conflicting evidence, the clinical significance of this alteration remains unclear.

NM_024490.4(ATP10A):c.2113T>A (p.Tyr705Asn)

Gene: ATP10A (ATPase phospholipid transporting 10A (putative); minus strand). Cytogenetic location: 15q12.
Variant type: single nucleotide variant.
Coding change: c.2113T>A on transcript NM_024490.4 (MANE Select); coding-DNA position 2113, T replaced by A.
Protein change: p.Tyr705Asn; replaces tyrosine 705 with asparagine.
Molecular consequence: missense variant.
Genome position (GRCh38, 1-based): chr15:25,713,905, A>T on the plus strand (T>A on the coding strand, the complement: ATP10A is on the minus strand). VCF-style: chr15-25713905-A-T. GRCh37 (hg19) VCF-style: chr15-25959052-A-T.
Other names: short protein forms Y705N.
Identifiers: ClinVar variation 5032330 (VCV005032330.1).